The following is an entry in ClinVar:

NM_002249.6(KCNN3):c.1727T>C (p.Leu576Pro)

Gene: KCNN3 (potassium calcium-activated channel subfamily N member 3; minus strand). Cytogenetic location: 1q21.3.
Variant type: single nucleotide variant.
Coding change: c.1727T>C on transcript NM_002249.6 (MANE Select); coding-DNA position 1727, T replaced by C.
Protein change: p.Leu576Pro; replaces leucine 576 with proline.
Molecular consequence: missense variant.
Genome position (GRCh38, 1-based): chr1:154,714,978, A>G on the plus strand (T>C on the coding strand, the complement: KCNN3 is on the minus strand). VCF-style: chr1-154714978-A-G. GRCh37 (hg19) VCF-style: chr1-154687454-A-G.
Other names: c.1772T>C, p.Leu591Pro (NM_001204087.2); c.833T>C, p.Leu278Pro (NM_001365837.1); c.788T>C, p.Leu263Pro (NM_001365838.1); c.812T>C, p.Leu271Pro (NM_170782.3); short protein forms L263P, L271P, L278P, L576P, L591P.
Identifiers: ClinVar variation 3365263 (VCV003365263.1).

ClinVar aggregate classification (germline): Uncertain significance (1 of 4 stars; one submission).

Submission:

GeneDx
Classification: Uncertain significance. Last evaluated: 2023-12-03. Review status: criteria provided, single submitter. Criteria: GeneDx Variant Classification Process June 2021. Collection method: clinical testing. Allele origin: germline. Affected: yes.
Comment: Not observed at significant frequency in large population cohorts (gnomAD); In silico analysis supports that this missense variant has a deleterious effect on protein structure/function; Has not been previously published as pathogenic or benign to our knowledge